The following is an entry in ClinVar:

ClinVar aggregate classification (germline): Pathogenic (1 of 4 stars; one submission).

Submission:

Labcorp Genetics (formerly Invitae), Labcorp
Classification: Pathogenic. Last evaluated: 2021-03-25. Review status: criteria provided, single submitter. Criteria: Invitae Variant Classification Sherloc (09022015). Collection method: clinical testing. Allele origin: germline.
Comment: This sequence change creates a premature translational stop signal (p.Ser1877Profs*11) in the CPLANE1 gene. It is expected to result in an absent or disrupted protein product. Loss-of-function variants in CPLANE1 are known to be pathogenic (PMID: 24178751, 26092869). This variant is not present in population databases (ExAC no frequency). This variant has not been reported in the literature in individuals with CPLANE1-related conditions. For these reasons, this variant has been classified as Pathogenic.

Literature cited by the submitters: PubMed 24178751; PubMed 26092869.

NM_001384732.1(CPLANE1):c.5629del (p.Ser1877fs)

Gene: CPLANE1 (ciliogenesis and planar polarity effector complex subunit 1; minus strand). Cytogenetic location: 5p13.2.
Variant type: Deletion.
Coding change: c.5629del on transcript NM_001384732.1 (MANE Select); coding-DNA position 5629, one base deleted (T; older notation c.5629delT).
Protein change: p.Ser1877fs; shifts the reading frame from serine 1877.
Molecular consequence: frameshift variant.
Genome position (GRCh38, 1-based): chr5:37,180,125, A deleted on the plus strand (T on the coding strand, the reverse complement: CPLANE1 is on the minus strand); the first of 3 consecutive A bases (chr5:37,180,125-37,180,127); deleting any one gives the same sequence. VCF-style (leftmost placement, unchanged base first): chr5-37180124-GA-G. GRCh37 (hg19) VCF-style: chr5-37180226-GA-G.
Other names: c.5629del, p.Ser1877fs (NM_023073.4); short protein forms S1877fs.
Identifiers: ClinVar variation 1413739 (VCV001413739.6), dbSNP rs2151099353, ClinGen allele CA2573139641.